The following is an entry in ClinVar:

ClinVar aggregate classification (germline): Uncertain significance (1 of 4 stars; one submission).

Submission:

Ambry Genetics
Classification: Uncertain significance. Last evaluated: 2024-09-09. Review status: criteria provided, single submitter. Criteria: Ambry Variant Classification Scheme 2023. Collection method: clinical testing. Allele origin: germline.
Comment: The p.V1025M variant (also known as c.3073G>A), located in coding exon 4 of the ALPK2 gene, results from a G to A substitution at nucleotide position 3073. The valine at codon 1025 is replaced by methionine, an amino acid with highly similar properties. This amino acid position is conserved. In addition, this alteration is predicted to be tolerated by in silico analysis. Based on the available evidence, the clinical significance of this variant remains unclear.

NM_052947.4(ALPK2):c.3073G>A (p.Val1025Met)

Gene: ALPK2 (alpha kinase 2; minus strand). Cytogenetic location: 18q21.31.
Variant type: single nucleotide variant.
Coding change: c.3073G>A on transcript NM_052947.4 (MANE Select); coding-DNA position 3073, G replaced by A.
Protein change: p.Val1025Met; replaces valine 1025 with methionine.
Molecular consequence: missense variant.
Genome position (GRCh38, 1-based): chr18:58,537,114, C>T on the plus strand (G>A on the coding strand, the complement: ALPK2 is on the minus strand). VCF-style: chr18-58537114-C-T. GRCh37 (hg19) VCF-style: chr18-56204346-C-T.
Other names: short protein forms V1025M.
Identifiers: ClinVar variation 3529979 (VCV003529979.1).